The following is an entry in ClinVar:

NM_005591.4(MRE11):c.1990C>G (p.Gln664Glu)

Gene: MRE11 (MRE11 double strand break repair nuclease; minus strand). Cytogenetic location: 11q21.
Variant type: single nucleotide variant.
Coding change: c.1990C>G on transcript NM_005591.4 (MANE Select); coding-DNA position 1990, C replaced by G.
Protein change: p.Gln664Glu; replaces glutamine 664 with glutamic acid.
Molecular consequence: missense variant.
Genome position (GRCh38, 1-based): chr11:94,435,836, G>C on the plus strand (C>G on the coding strand, the complement: MRE11 is on the minus strand). VCF-style: chr11-94435836-G-C. GRCh37 (hg19) VCF-style: chr11-94169002-G-C.
Other names: c.1987C>G, p.Gln663Glu (NM_001330347.2); c.1906C>G, p.Gln636Glu (NM_005590.4); short protein forms Q636E, Q664E, Q663E.
Identifiers: ClinVar variation 820474 (VCV000820474.5), dbSNP rs1591640825, ClinGen allele CA382374023.
Genomic context (GRCh38, chr11:94,435,836, plus strand): 5'-TGGATAATTTTTAATTTTTTTCAGATGTTTCTTTTGCAGAAAATCACTGCACCTACCTTT[G>C]ATCTGTCTTTGAAGTGGTAGGAAAAATGTCTTCTTCCACATCTGATTCATCTACCTCAAT-3'
Protein context (NP_005582.1, residues 654-674): DIFPTTSKTD[Gln664Glu]RWSSTSSSKI

ClinVar aggregate classification (germline): Uncertain significance (1 of 4 stars; one submission).

Conditions:
Hereditary cancer-predisposing syndrome. Also called: Neoplastic Syndromes, Hereditary; Tumor predisposition; Hereditary Cancer Syndrome; Hereditary neoplastic syndrome. Identifiers: Orphanet 140162, MedGen C0027672, MeSH D009386, MONDO:0015356.

Submission:

Ambry Genetics
Classification: Uncertain significance for Hereditary cancer-predisposing syndrome. Last evaluated: 2025-10-17. Review status: criteria provided, single submitter. Criteria: Ambry Variant Classification Scheme 2023. Collection method: clinical testing. Allele origin: germline.
Comment: The p.Q664E variant (also known as c.1990C>G), located in coding exon 17 of the MRE11A gene, results from a C to G substitution at nucleotide position 1990. The glutamine at codon 664 is replaced by glutamic acid, an amino acid with highly similar properties. This amino acid position is well conserved in available vertebrate species. In addition, this alteration is predicted to be tolerated by in silico analysis. Since supporting evidence is limited at this time, the clinical significance of this alteration remains unclear.